The following is an entry in ClinVar:

NM_005629.4(SLC6A8):c.1310ACT[1] (p.Tyr438del)

Gene: SLC6A8 (solute carrier family 6 member 8; plus strand). Cytogenetic location: Xq28.
Variant type: Microsatellite.
Coding change: c.1310ACT[1] on transcript NM_005629.4 (MANE Select); one copy of the 3-base unit ACT starting at c.1310; the reference has two copies in a row; one copy, 3 bases deleted.
Protein change: p.Tyr438del; deletes tyrosine 438.
Genome position (GRCh38, 1-based): chrX:153,694,188-153,694,190, ACT deleted; deleting any 3 consecutive bases within chrX:153,694,183-153,694,190 gives the same sequence; the position shown is the placement nearest the transcript's 3' end. VCF-style (leftmost placement, unchanged base first): chrX-153694182-CCTA-C. GRCh37 (hg19) VCF-style: chrX-152959637-CCTA-C.
Other names: c.1280ACT[1], p.Tyr428del (NM_001142805.2); c.965ACT[1], p.Tyr323del (NM_001142806.1); short protein forms Y323del, Y428del, Y438del.
Identifiers: ClinVar variation 3371858 (VCV003371858.1).

ClinVar aggregate classification (germline): Uncertain significance (1 of 4 stars; one submission).

Submission:

GeneDx
Classification: Uncertain significance. Last evaluated: 2024-04-05. Review status: criteria provided, single submitter. Criteria: GeneDx Variant Classification Process June 2021. Collection method: clinical testing. Allele origin: germline. Affected: yes.
Comment: In-frame deletion of 1 amino acids in a non-repeat region; In silico analysis supports a deleterious effect on protein structure/function; Has not been previously published as pathogenic or benign to our knowledge